The following continues an entry in ClinVar:

NM_000059.4(BRCA2):c.5681dup (p.Tyr1894Ter)

Gene: BRCA2. ClinVar aggregate classification (germline): Pathogenic. Pathogenic (1).

Submissions 11 to 20 of 20:

Institute of Human Genetics, University of Leipzig Medical Center
Classification: Pathogenic for Familial cancer of breast. Last evaluated: 2019-01-01. Review status: criteria provided, single submitter. Criteria: ACMG Guidelines, 2015. Collection method: clinical testing. Allele origin: unknown. Affected: yes. Not counted in ClinVar's aggregate classification.

Laboratory for Molecular Medicine, Mass General Brigham Personalized Medicine
Classification: Pathogenic for Hereditary breast ovarian cancer syndrome. Last evaluated: 2017-06-12. Review status: criteria provided, single submitter. Criteria: LMM Criteria. Collection method: clinical testing. Allele origin: germline. Inheritance: Autosomal dominant inheritance. Observed: 1 variant allele. Not counted in ClinVar's aggregate classification.
Comment: The p.Tyr1894X variant in BRCA2 has been reported in at least 8 individuals here ditary breast and or ovarian cancer (HBOC; Edwards 2001, Li 2008, Solano 2012, B reast Cancer Information Core (BIC) database) and one individual with unknown cl inical status with a possible history of familial breast and/or ovarian cancer w ho underwent genetic screening for BRCA1 and BRCA2 (van der Hout 2006). It was a lso identified in 1/17242 of East Asian chromosomes by the Genome Aggregation Da tabase (gnomAD; dbSNP rs80359527); however, th is frequency is low enough to be consistent with the frequency of HBOC in the ge neral population. This nonsense variant is a result of a duplication of one base pair at position 5681, which creates a premature termination codon at amino aci d position 1894. This alteration is then predicted to lead to a truncated or abs ent protein. Heterozygous loss of function of the BRCA2 gene is an established d isease mechanism in hereditary breast and ovarian cancer. Moreover, this variant was classified as pathogenic on April 22, 2016 by the ClinGen-approved ENIGMA e xpert panel (SCV000282411.1). In summary, this variant meets criteria to be clas sified as pathogenic for hereditary breast and ovarian cancer in an autosomal do minant manner based upon predicted impact on the protein, presence in multiple a ffected individuals and low frequency in controls.

Consortium of Investigators of Modifiers of BRCA1/2 (CIMBA), c/o University of Cambridge
Classification: Pathogenic for Breast-ovarian cancer, familial, susceptibility to, 2. Last evaluated: 2015-10-02. Review status: criteria provided, single submitter. Criteria: CIMBA Mutation Classification guidelines May 2016. Collection method: clinical testing. Allele origin: germline. Not counted in ClinVar's aggregate classification.

BRCAlab, Lund University
Classification: Pathogenic for Breast-ovarian cancer, familial, susceptibility to, 2. Last evaluated: 2020-03-02. Review status: no assertion criteria provided. Collection method: clinical testing. Allele origin: germline. Affected: yes. Not counted in ClinVar's aggregate classification.

Counsyl
Classification: Pathogenic for Breast-ovarian cancer, familial, susceptibility to, 2. Last evaluated: 2016-03-31. Review status: no assertion criteria provided. Collection method: clinical testing. Allele origin: unknown. Not counted in ClinVar's aggregate classification.

Research Molecular Genetics Laboratory, Women's College Hospital, University of Toronto
Classification: Pathogenic for Hereditary breast ovarian cancer syndrome. Last evaluated: 2014-01-31. Review status: no assertion criteria provided. Collection method: research. Allele origin: germline. Affected: yes. Study: The Canadian Open Genetics Repository (COGR). Not counted in ClinVar's aggregate classification.

Sharing Clinical Reports Project (SCRP)
Classification: Pathogenic for Breast-ovarian cancer, familial 2. Last evaluated: 2011-11-29. Review status: no assertion criteria provided. Collection method: clinical testing. Allele origin: germline. Not counted in ClinVar's aggregate classification.

Breast Cancer Information Core (BIC) (BRCA2)
Classification: Pathogenic for Breast-ovarian cancer, familial 2. Last evaluated: 2002-05-29. Review status: no assertion criteria provided. Collection method: clinical testing. Allele origin: germline. Affected: yes. Observed: 5 variant alleles. Not counted in ClinVar's aggregate classification.

Clinical Genetics DNA and cytogenetics Diagnostics Lab, Erasmus MC, Erasmus Medical Center
Classification: Pathogenic. Review status: no assertion criteria provided. Collection method: clinical testing. Allele origin: germline. Affected: yes. Study: VKGL Data-share Consensus. Not counted in ClinVar's aggregate classification.

Clinical Genetics Laboratory, Department of Pathology, Netherlands Cancer Institute
Classification: Pathogenic. Review status: no assertion criteria provided. Collection method: clinical testing. Allele origin: germline. Affected: yes. Study: VKGL Data-share Consensus. Not counted in ClinVar's aggregate classification.

Literature cited by the submitters: PubMed 16683254 (cited by 7 submitters); PubMed 17851763 (cited by 7 submitters); PubMed 23961350 (cited by 4 submitters); PubMed 27721756 (cited by Ambry Genetics); PubMed 28724667 (cited by 4 submitters); PubMed 28993434 (cited by 4 submitters); PubMed 29907814 (cited by 4 submitters); PubMed 20104584 (cited by Labcorp Genetics (formerly Invitae), Labcorp); PubMed 11241844 (cited by 4 submitters); PubMed 23697973 (cited by Labcorp Genetics (formerly Invitae), Labcorp); PubMed 27153395 (cited by 3 submitters); PubMed 28294317 (cited by 3 submitters); PubMed 28947987 (cited by Color Diagnostics, LLC DBA Color Health and All of Us Research Program, National Institutes of Health); PubMed 31853058 (cited by Color Diagnostics, LLC DBA Color Health); PubMed 32347951 (cited by Color Diagnostics, LLC DBA Color Health); PubMed 33471991 (cited by Color Diagnostics, LLC DBA Color Health); PubMed 40413188 (cited by Color Diagnostics, LLC DBA Color Health); PubMed 18042939 (cited by 3 submitters); PubMed 29446198 (cited by Quest Diagnostics Nichols Institute San Juan Capistrano and Women's Health and Genetics/Laboratory Corporation of America, LabCorp); PubMed 38409497 (cited by Quest Diagnostics Nichols Institute San Juan Capistrano); PubMed 37809048 (cited by Quest Diagnostics Nichols Institute San Juan Capistrano); PubMed 36537080 (cited by Quest Diagnostics Nichols Institute San Juan Capistrano); PubMed 30720863 (cited by Quest Diagnostics Nichols Institute San Juan Capistrano); PubMed 18824701 (cited by Women's Health and Genetics/Laboratory Corporation of America, LabCorp); PubMed 11897832 (cited by Women's Health and Genetics/Laboratory Corporation of America, LabCorp); PubMed 20736950 (cited by Women's Health and Genetics/Laboratory Corporation of America, LabCorp).